The following is an entry in ClinVar:

ClinVar aggregate classification (germline): Uncertain significance (1 of 4 stars; one submission).

Conditions:
MC3R-related disorder. Also called: MC3R-related condition.

Submission:

PreventionGenetics, part of Exact Sciences
Classification: Uncertain significance for MC3R-related condition. Last evaluated: 2025-04-03. Review status: criteria provided, single submitter. Criteria: ACMG Guidelines, 2015. Collection method: clinical testing. Allele origin: germline.
Comment: The MC3R c.611delG variant is predicted to result in a frameshift and premature protein termination (p.Gly204Alafs*18). To our knowledge, this variant has not been reported in the literature or in a large population database (gnomAD), indicating this variant is rare. At this time, the clinical significance of this variant is uncertain due to the absence of conclusive functional and genetic evidence.

NM_019888.3(MC3R):c.611del (p.Gly204fs)

Gene: MC3R (melanocortin 3 receptor; plus strand). Cytogenetic location: 20q13.2.
Variant type: Deletion.
Coding change: c.611del on transcript NM_019888.3 (MANE Select); coding-DNA position 611, one base deleted (G; older notation c.611delG).
Protein change: p.Gly204fs; shifts the reading frame from glycine 204.
Molecular consequence: frameshift variant.
Genome position (GRCh38, 1-based): chr20:56,249,454, G deleted; the last of 3 consecutive G bases (chr20:56,249,452-56,249,454); deleting any one gives the same sequence. VCF-style (leftmost placement, unchanged base first): chr20-56249451-TG-T. GRCh37 (hg19) VCF-style: chr20-54824507-TG-T.
Other names: c.611delG (NM_019888.3); short protein forms G204fs.
Identifiers: ClinVar variation 4978108 (VCV004978108.1).
Genomic context (GRCh38, chr20:56,249,451, plus strand): 5'-CGGAGAGCAAAATGGTCATTGTGTGCCTCATCACCATGTTCTTCGCCATGATGCTCCTCA[TG>T]GGCACCCTCTACGTGCACATGTTCCTCTTTGCGCGGCTGCACGTCAAGCGCATAGCAGCA-3'